The following is an entry in ClinVar:

NM_001388492.1(HTT):c.7007C>G (p.Pro2336Arg)

Gene: HTT (huntingtin; plus strand). Cytogenetic location: 4p16.3.
Variant type: single nucleotide variant.
Coding change: c.7007C>G on transcript NM_001388492.1 (MANE Select); coding-DNA position 7007, C replaced by G.
Protein change: p.Pro2336Arg; replaces proline 2336 with arginine.
Molecular consequence: missense variant.
Genome position (GRCh38, 1-based): chr4:3,215,164, C>G. VCF-style: chr4-3215164-C-G. GRCh37 (hg19) VCF-style: chr4-3216891-C-G.
Other names: c.7013C>G, p.Pro2338Arg (NM_002111.8); short protein forms P2336R, P2338R.
Identifiers: ClinVar variation 1412946 (VCV001412946.6), dbSNP rs1288350631, ClinGen allele CA356094271.

ClinVar aggregate classification (germline): Uncertain significance (1 of 4 stars; one submission).

Allele frequency attached by ClinVar (database versions not stated): gnomAD exomes below 0.00001; TOPMed below 0.00001; gnomAD 0.00001.
gnomAD v4.1: 3 of 1,614,016 alleles (0.00019%); highest among the groups gnomAD compares: East Asian, 0.0045%; no homozygotes.

Submission:

Labcorp Genetics (formerly Invitae), Labcorp
Classification: Uncertain significance. Last evaluated: 2021-02-03. Review status: criteria provided, single submitter. Criteria: Invitae Variant Classification Sherloc (09022015). Collection method: clinical testing. Allele origin: germline.
Comment: This sequence change replaces proline with arginine at codon 2338 of the HTT protein (p.Pro2338Arg). The proline residue is weakly conserved and there is a moderate physicochemical difference between proline and arginine. This variant has not been reported in the literature in individuals with HTT-related conditions. This variant is not present in population databases (ExAC no frequency). In summary, the available evidence is currently insufficient to determine the role of this variant in disease. Therefore, it has been classified as a Variant of Uncertain Significance. Experimental studies and prediction algorithms are not available or were not evaluated, and the functional significance of this variant is currently unknown.